The following is an entry in ClinVar:

ClinVar aggregate classification (germline): Uncertain significance (1 of 4 stars; one submission).

Conditions:
Early-onset Lafora body disease. Also called: Epilepsy, progressive myoclonic, 10. Identifiers: Orphanet 324290, MedGen C4225258, MONDO:0014717, OMIM 616640.

Allele frequency attached by ClinVar (database versions not stated): TOPMed below 0.00001; gnomAD 0.00001; gnomAD exomes 0.00001.
gnomAD v4.1: 9 of 1,610,406 alleles (0.00056%); highest among the groups gnomAD compares: Non-Finnish European, 0.00076%; no homozygotes.

Submission:

Labcorp Genetics (formerly Invitae), Labcorp
Classification: Uncertain significance for Epilepsy, progressive myoclonic, 10. Last evaluated: 2019-07-05. Review status: criteria provided, single submitter. Criteria: Invitae Variant Classification Sherloc (09022015). Collection method: clinical testing. Allele origin: germline.
Comment: This sequence change replaces serine with threonine at codon 282 of the PRDM8 protein (p.Ser282Thr). The serine residue is weakly conserved and there is a small physicochemical difference between serine and threonine. This variant is not present in population databases (ExAC no frequency). This variant has not been reported in the literature in individuals with PRDM8-related conditions. Algorithms developed to predict the effect of missense changes on protein structure and function (SIFT, PolyPhen-2, Align-GVGD) all suggest that this variant is likely to be tolerated, but these predictions have not been confirmed by published functional studies and their clinical significance is uncertain. In summary, the available evidence is currently insufficient to determine the role of this variant in disease. Therefore, it has been classified as a Variant of Uncertain Significance.

NM_001099403.2(PRDM8):c.845G>C (p.Ser282Thr)

Gene: PRDM8 (PR/SET domain 8; plus strand). Cytogenetic location: 4q21.21.
Variant type: single nucleotide variant.
Coding change: c.845G>C on transcript NM_001099403.2 (MANE Select); coding-DNA position 845, G replaced by C.
Protein change: p.Ser282Thr; replaces serine 282 with threonine.
Molecular consequence: missense variant.
Genome position (GRCh38, 1-based): chr4:80,202,307, G>C. VCF-style: chr4-80202307-G-C. GRCh37 (hg19) VCF-style: chr4-81123461-G-C.
Other names: c.845G>C, p.Ser282Thr (NM_020226.4); short protein forms S282T.
Identifiers: ClinVar variation 944410 (VCV000944410.1), dbSNP rs1296298879, ClinGen allele CA357395389.